The following is an entry in ClinVar:

ClinVar aggregate classification (germline): Likely benign. Review status: criteria provided, multiple submitters, no conflicts (2 of 4 stars). 3 submissions from 3 submitters: Likely benign (3). Last evaluated 2025-08-03.

Conditions:
Neuronal ceroid lipofuscinosis. Also called: Neuronal Ceroid Lipofuscinoses. Identifiers: Orphanet 216, Orphanet 79263, MedGen C0027877, MONDO:0016295. Disease mechanism: loss of function.

Allele frequency attached by ClinVar (database versions not stated): TOPMed 0.00002.

Submissions (3):

Labcorp Genetics (formerly Invitae), Labcorp
Classification: Likely benign for Neuronal ceroid lipofuscinosis. Last evaluated: 2025-08-03. Review status: criteria provided, single submitter. Criteria: Invitae Variant Classification Sherloc (09022015). Collection method: clinical testing. Allele origin: germline.

Blueprint Genetics
Classification: Likely benign. Last evaluated: 2022-09-30. Review status: criteria provided, single submitter. Criteria: ACMG Guidelines, 2015. Collection method: clinical testing. Allele origin: germline.

GeneDx
Classification: Likely benign. Last evaluated: 2015-12-04. Review status: criteria provided, single submitter. Criteria: GeneDx Variant Classification (06012015). Collection method: clinical testing. Allele origin: germline. Affected: yes.
Comment: This variant is considered likely benign or benign based on one or more of the following criteria: it is a conservative change, it occurs at a poorly conserved position in the protein, it is predicted to be benign by multiple in silico algorithms, and/or has population frequency not consistent with disease.

NM_001042432.2(CLN3):c.1197+13C>A

Gene: CLN3 (CLN3 lysosomal/endosomal transmembrane protein, battenin; minus strand). Cytogenetic location: 16p12.1.
Variant type: single nucleotide variant.
Coding change: c.1197+13C>A on transcript NM_001042432.2 (MANE Select); 13 bases into the intron after coding-DNA position 1197, C replaced by A.
Molecular consequence: intron variant.
Genome position (GRCh38, 1-based): chr16:28,477,724, G>T on the plus strand (C>A on the coding strand, the complement: CLN3 is on the minus strand). VCF-style: chr16-28477724-G-T. GRCh37 (hg19) VCF-style: chr16-28489045-G-T.
Other names: c.963+13C>A (NM_001286109.2); c.1125+13C>A (NM_001286104.2); c.897+13C>A (NM_001286105.2); c.1035+13C>A (NM_001286110.2); c.1197+13C>A (NM_000086.2).
Identifiers: ClinVar variation 377688 (VCV000377688.9), dbSNP rs370103287, ClinGen allele CA7980663.